The following is an entry in ClinVar:

NM_020919.4(ALS2):c.2539T>C (p.Tyr847His)

Gene: ALS2 (alsin Rho guanine nucleotide exchange factor ALS2; minus strand). Cytogenetic location: 2q33.1.
Variant type: single nucleotide variant.
Coding change: c.2539T>C on transcript NM_020919.4 (MANE Select); coding-DNA position 2539, T replaced by C.
Protein change: p.Tyr847His; replaces tyrosine 847 with histidine.
Molecular consequence: missense variant.
Genome position (GRCh38, 1-based): chr2:201,733,317, A>G on the plus strand (T>C on the coding strand, the complement: ALS2 is on the minus strand). VCF-style: chr2-201733317-A-G. GRCh37 (hg19) VCF-style: chr2-202598040-A-G.
Other names: c.2539T>C, p.Tyr847His (NM_001410975.1); short protein forms Y847H.
Identifiers: ClinVar variation 1718405 (VCV001718405.6), dbSNP rs2469807401, ClinGen allele CA350324029.

ClinVar aggregate classification (germline): Uncertain significance. Review status: criteria provided, multiple submitters, no conflicts (2 of 4 stars). 2 submissions from 2 submitters: Uncertain significance (2). Last evaluated 2023-09-04.

Conditions:
ALS2-related motor neuron disease. Identifiers: MedGen CN323278, MONDO:0100227.
Infantile-onset ascending hereditary spastic paralysis (IAHSP). Also called: Infantile-Onset Ascending Hereditary Spastic Paralysis (IAHSP); Autosomal Recessive Juvenile Amyotrophic Lateral Sclerosis. Identifiers: Orphanet 293168, MedGen C2931441, MONDO:0011797, OMIM 607225. Disease mechanism: loss of function.

Allele frequency attached by ClinVar (database versions not stated): gnomAD exomes below 0.00001.
gnomAD v4.1: 5 of 1,613,912 alleles (0.00031%); highest among the groups gnomAD compares: Non-Finnish European, 0.00034%; no homozygotes.

Submissions (2):

Molecular Genetics, Royal Melbourne Hospital
Classification: Uncertain significance for ALS2-related motor neuron disease. Last evaluated: 2023-09-04. Review status: criteria provided, single submitter. Criteria: ACMG Guidelines, 2015. Collection method: clinical testing. Allele origin: germline. Inheritance: Autosomal recessive inheritance. Affected: yes.
Comment: This sequence change in ALS2 is predicted to replace tyrosine with histidine at codon 847, p.(Tyr847His). The tyrosine residue is highly conserved (100 vertebrates, UCSC), and is located in the RhoGEF domain. There is a moderate physicochemical difference between tyrosine and histidine. This variant is absent from the population database gnomAD v2.1 and v3.1. To our knowledge, this variant has not been previously reported in the relevant scientific literature. This variant has been observed with a likely pathogenic ALS2 variant in an individual with a paediatric-onset neuromuscular condition consistent with spastic paraplegia (Royal Melbourne Hospital). Computational evidence predicts a deleterious effect for the missense substitution (REVEL = 0.842). Based on the classification scheme RMH Modified ACMG/AMP Guidelines v1.6.1, this variant is classified as a VARIANT OF UNCERTAIN SIGNIFICANCE. Following criteria are met: PM2_Supporting, PM3_Supporting, PP3.

Labcorp Genetics (formerly Invitae), Labcorp
Classification: Uncertain significance for Infantile-onset ascending hereditary spastic paralysis. Last evaluated: 2022-08-31. Review status: criteria provided, single submitter. Criteria: Invitae Variant Classification Sherloc (09022015). Collection method: clinical testing. Allele origin: germline.
Comment: In summary, the available evidence is currently insufficient to determine the role of this variant in disease. Therefore, it has been classified as a Variant of Uncertain Significance. Algorithms developed to predict the effect of missense changes on protein structure and function are either unavailable or do not agree on the potential impact of this missense change (SIFT: "Deleterious"; PolyPhen-2: "Probably Damaging"; Align-GVGD: "Class C0"). This variant has not been reported in the literature in individuals affected with ALS2-related conditions. This variant is not present in population databases (gnomAD no frequency). This sequence change replaces tyrosine, which is neutral and polar, with histidine, which is basic and polar, at codon 847 of the ALS2 protein (p.Tyr847His).